The following is an entry in ClinVar:

ClinVar aggregate classification (germline): Uncertain significance. Review status: criteria provided, multiple submitters, no conflicts (2 of 4 stars). 6 submissions from 6 submitters: Uncertain significance (6). Last evaluated 2025-07-10.

Conditions:
Arrhythmogenic right ventricular cardiomyopathy (ARVD). Also called: Cardiomyopathy, ARVC; Arrhythmogenic cardiomyopathy; Arrhythmogenic Right Ventricular Cardiomyopathy (ARVC); Arrhythmogenic right ventricular dysplasia. Identifiers: Orphanet 247, MedGen C0349788, MeSH D019571, MONDO:0016587. Disease mechanism: loss of function. Inheritance: Various modes of inheritance.
Cardiovascular phenotype. Identifiers: MedGen CN230736.
Cardiomyopathy (CMYO). Also called: Cardiomyopathies. Identifiers: Orphanet 167848, MedGen C0878544, MONDO:0004994, HP:0001638. Inheritance: Various modes of inheritance.
Arrhythmogenic right ventricular dysplasia 5. Also called: Arrhythmogenic Right Ventricular Dysplasia/Cardiomyopathy 5; ARRHYTHMOGENIC RIGHT VENTRICULAR DYSPLASIA, FAMILIAL, 5. Identifiers: MedGen C1858379, MONDO:0011459, OMIM 604400.

Allele frequency attached by ClinVar (database versions not stated): gnomAD 0.00002; gnomAD exomes below 0.00001; TOPMed 0.00002.
gnomAD v4.1: 6 of 1,613,720 alleles (0.00037%); highest among the groups gnomAD compares: African/African-American, 0.0027%; no homozygotes.

Submissions (6):

GeneDx
Classification: Uncertain significance. Last evaluated: 2025-07-10. Review status: criteria provided, single submitter. Criteria: GeneDx Variant Classification Process June 2021. Collection method: clinical testing. Allele origin: germline. Affected: yes.
Comment: Not observed at significant frequency in large population cohorts (gnomAD); In silico analysis supports that this missense variant has a deleterious effect on protein structure/function; Has not been previously published as pathogenic or benign to our knowledge

Labcorp Genetics (formerly Invitae), Labcorp
Classification: Uncertain significance for Arrhythmogenic right ventricular dysplasia 5. Last evaluated: 2024-10-29. Review status: criteria provided, single submitter. Criteria: Invitae Variant Classification Sherloc (09022015). Collection method: clinical testing. Allele origin: germline.
Comment: This sequence change replaces threonine, which is neutral and polar, with methionine, which is neutral and non-polar, at codon 60 of the TMEM43 protein (p.Thr60Met). This variant is present in population databases (no rsID available, gnomAD 0.008%). This variant has not been reported in the literature in individuals affected with TMEM43-related conditions. ClinVar contains an entry for this variant (Variation ID: 852428). Invitae Evidence Modeling of protein sequence and biophysical properties (such as structural, functional, and spatial information, amino acid conservation, physicochemical variation, residue mobility, and thermodynamic stability) indicates that this missense variant is not expected to disrupt TMEM43 protein function with a negative predictive value of 80%. In summary, the available evidence is currently insufficient to determine the role of this variant in disease. Therefore, it has been classified as a Variant of Uncertain Significance.

All of Us Research Program, National Institutes of Health
Classification: Uncertain significance for Arrhythmogenic right ventricular dysplasia 5. Last evaluated: 2024-04-25. Review status: criteria provided, single submitter. Criteria: ACMG Guidelines, 2015. Collection method: clinical testing. Allele origin: germline. Inheritance: Autosomal dominant inheritance. Observed: 1 variant allele, 1 heterozygote.
Comment: This missense variant replaces threonine with methionine at codon 60 of the TMEM43 protein. Computational prediction suggests that this variant may not impact protein structure and function (internally defined REVEL score threshold <= 0.5, PMID: 27666373). To our knowledge, functional studies have not been reported for this variant. This variant has not been reported in individuals affected with cardiovascular disorders in the literature. This variant has been identified in 4/282478 chromosomes in the general population by the Genome Aggregation Database (gnomAD). The available evidence is insufficient to determine the role of this variant in disease conclusively. Therefore, this variant is classified as a Variant of Uncertain Significance.

This study involves interpretation of variants in research participants for the purpose of population health screening. Participant phenotype was not available at the time of variant classification. Additional details can be found in publication PMID: 35346344, PMCID: PMC8962531

Color Diagnostics, LLC DBA Color Health
Classification: Uncertain significance for Cardiomyopathy. Last evaluated: 2024-03-06. Review status: criteria provided, single submitter. Criteria: ACMG Guidelines, 2015. Collection method: clinical testing. Allele origin: germline.
Comment: This missense variant replaces threonine with methionine at codon 60 of the TMEM43 protein. Computational prediction suggests that this variant may not impact protein structure and function (internally defined REVEL score threshold <= 0.5, PMID: 27666373). To our knowledge, functional studies have not been reported for this variant. This variant has not been reported in individuals affected with cardiovascular disorders in the literature. This variant has been identified in 4/282478 chromosomes in the general population by the Genome Aggregation Database (gnomAD). The available evidence is insufficient to determine the role of this variant in disease conclusively. Therefore, this variant is classified as a Variant of Uncertain Significance.

Dasa
Classification: Uncertain significance for arrhythmogenic right ventricular cardiomyopathy. Last evaluated: 2024-02-26. Review status: criteria provided, single submitter. Criteria: DASA Assertion Criteria. Collection method: clinical testing. Allele origin: germline.
Comment: NM_024334.3(TMEM43):c.179C>T (p.Thr60Met) is a missense variant that results in the substitution of threonine with methionine. This variant is rare in population databases. Computational prediction algorithms are consistent with a benign effect. The currently available literature and clinical evidence are not sufficient to establish a definitive association between this variant and the reported condition. Therefore, this variant is classified as a variant of uncertain significance.

Ambry Genetics
Classification: Uncertain significance for Cardiovascular phenotype. Last evaluated: 2022-07-06. Review status: criteria provided, single submitter. Criteria: Ambry Variant Classification Scheme 2023. Collection method: clinical testing. Allele origin: germline.
Comment: The p.T60M variant (also known as c.179C>T), located in coding exon 3 of the TMEM43 gene, results from a C to T substitution at nucleotide position 179. The threonine at codon 60 is replaced by methionine, an amino acid with similar properties. This amino acid position is conserved. In addition, the in silico prediction for this alteration is inconclusive. Since supporting evidence is limited at this time, the clinical significance of this alteration remains unclear.

NM_024334.3(TMEM43):c.179C>T (p.Thr60Met)

Gene: TMEM43 (transmembrane protein 43; plus strand). Cytogenetic location: 3p25.1.
Variant type: single nucleotide variant.
Coding change: c.179C>T on transcript NM_024334.3 (MANE Select); coding-DNA position 179, C replaced by T.
Protein change: p.Thr60Met; replaces threonine 60 with methionine.
Molecular consequence: missense variant.
Genome position (GRCh38, 1-based): chr3:14,130,838, C>T. VCF-style: chr3-14130838-C-T. GRCh37 (hg19) VCF-style: chr3-14172338-C-T.
Other names: short protein forms T60M.
Identifiers: ClinVar variation 852428 (VCV000852428.14), dbSNP rs1362645227, ClinGen allele CA351534515.